The following is an entry in ClinVar:

ClinVar aggregate classification (germline): Pathogenic (1 of 4 stars; one submission).

Conditions:
Familial cancer of breast. Also called: hereditary breast carcinoma; BREAST CANCER, FAMILIAL; Hereditary breast cancer. Identifiers: Orphanet 227535, MedGen C0346153, MONDO:0016419, OMIM 114480. Disease mechanism: loss of function.

Submission:

Labcorp Genetics (formerly Invitae), Labcorp
Classification: Pathogenic for Familial cancer of breast. Last evaluated: 2023-01-24. Review status: criteria provided, single submitter. Criteria: Invitae Variant Classification Sherloc (09022015). Collection method: clinical testing. Allele origin: germline.
Comment: This sequence change creates a premature translational stop signal (p.Asn446Serfs*2) in the CHEK2 gene. It is expected to result in an absent or disrupted protein product. Loss-of-function variants in CHEK2 are known to be pathogenic (PMID: 21876083, 24713400). This variant is not present in population databases (gnomAD no frequency). This variant has not been reported in the literature in individuals affected with CHEK2-related conditions. For these reasons, this variant has been classified as Pathogenic.

Literature cited by the submitters: PubMed 21876083; PubMed 24713400.

NM_007194.4(CHEK2):c.1335_1342del (p.Asn446fs)

Gene: CHEK2 (checkpoint kinase 2; minus strand). Cytogenetic location: 22q12.1.
Variant type: Deletion.
Coding change: c.1335_1342del on transcript NM_007194.4 (MANE Select); coding-DNA positions 1335 to 1342, 8 bases deleted (CAACTTCA; older notation c.1335_1342delCAACTTCA).
Protein change: p.Asn446fs; shifts the reading frame from asparagine 446.
Molecular consequence: frameshift variant.
Genome position (GRCh38, 1-based): chr22:28,695,160-28,695,167, TGAAGTTG deleted on the plus strand (CAACTTCA on the coding strand, the reverse complement: CHEK2 is on the minus strand); deleting any 8 consecutive bases within chr22:28,695,160-28,695,168 gives the same sequence; the c. name uses the placement nearest the transcript's 3' end. VCF-style (leftmost placement, unchanged base first): chr22-28695159-ATGAAGTTG-A. GRCh37 (hg19) VCF-style: chr22-29091147-ATGAAGTTG-A.
Other names: c.1463_1470delACAACTTC, p.Asn489Serfs (NM_001005735.3); c.671_678delACAACTTC, p.Asn225Serfs (NM_001257387.3); c.1133_1140delACAACTTC, p.Asn379Serfs (NM_001349956.3); c.1247_1254delACAACTTC, p.Asn417Serfs (NM_145862.3); short protein forms N489fs, N379fs, N417fs, N446fs, N225fs.
Identifiers: ClinVar variation 2831530 (VCV002831530.3), dbSNP rs2517795945, ClinGen allele CA2739265671.
Genomic context (GRCh38, chr22:28,695,159, plus strand): 5'-CAAATTCTTAACCCTTTCATATTCATACCTTTCTCTGAGACTTCTGCCCAGACTTCAGGA[ATGAAGTTG>A]TATTTTCCACTGGTGATCTGATCCTTCAGTGACACTTGAGTCCTATGCTCAGAGAAAGGT-3'